The following is an entry in ClinVar:

ClinVar aggregate classification (germline): Benign/Likely benign. Review status: criteria provided, multiple submitters, no conflicts (2 of 4 stars). 3 submissions from 3 submitters: Benign (2); Likely benign (1). Last evaluated 2026-01-09.

Conditions:
CLPX-related disorder. Also called: CLPX-related condition.

Allele frequency attached by ClinVar (database versions not stated): ESP Exome Variant Server 0.00146; gnomAD exomes 0.00162 and 0.00209; gnomAD 0.00170 and 0.00184; TOPMed 0.00192; ExAC 0.00224; 1000 Genomes Project 30x 0.00344; 1000 Genomes Project 0.00359.
gnomAD v4.1: 2,677 of 1,614,162 alleles (0.17%); highest among the groups gnomAD compares: Middle Eastern, 0.56%; 13 homozygotes.

Submissions (3):

Labcorp Genetics (formerly Invitae), Labcorp
Classification: Benign. Last evaluated: 2026-01-09. Review status: criteria provided, single submitter. Criteria: Invitae Variant Classification Sherloc (09022015). Collection method: clinical testing. Allele origin: germline.

PreventionGenetics, part of Exact Sciences
Classification: Likely benign for CLPX-related condition. Last evaluated: 2024-11-08. Review status: criteria provided, single submitter. Criteria: ACMG Guidelines, 2015. Collection method: clinical testing. Allele origin: germline.
Comment: This variant is classified as likely benign based on ACMG/AMP sequence variant interpretation guidelines (Richards et al. 2015 PMID: 25741868, with internal and published modifications).

Breakthrough Genomics
Classification: Benign. Review status: criteria provided, single submitter. Criteria: ACMG Guidelines, 2015. Collection method: not provided. Allele origin: germline. Inheritance: Autosomal dominant inheritance. Affected: yes.

NM_006660.5(CLPX):c.1443T>C (p.His481=)

Gene: CLPX (caseinolytic mitochondrial matrix peptidase chaperone subunit X; minus strand). Cytogenetic location: 15q22.31.
Variant type: single nucleotide variant.
Coding change: c.1443T>C on transcript NM_006660.5 (MANE Select); coding-DNA position 1443, T replaced by C.
Protein change: p.His481=; no amino-acid change (histidine 481 retained).
Molecular consequence: synonymous variant. On other transcripts: non-coding transcript variant (1).
Genome position (GRCh38, 1-based): chr15:65,154,950, A>G on the plus strand (T>C on the coding strand, the complement: CLPX is on the minus strand). VCF-style: chr15-65154950-A-G. GRCh37 (hg19) VCF-style: chr15-65447288-A-G.
Other names: c.1443T>C (NM_006660.4).
Identifiers: ClinVar variation 1639395 (VCV001639395.10), dbSNP rs145651001, ClinGen allele CA7614639.